The following is an entry in ClinVar:

NM_002471.4(MYH6):c.1658_1727del (p.Leu553fs)

Gene: MYH6 (myosin heavy chain 6; minus strand). Cytogenetic location: 14q11.2.
Variant type: Deletion.
Coding change: c.1658_1727del on transcript NM_002471.4 (MANE Select); coding-DNA positions 1658 to 1727, 70 bases deleted.
Protein change: p.Leu553fs; shifts the reading frame from leucine 553.
Molecular consequence: frameshift variant.
Genome position (GRCh38, 1-based): chr14:23,398,892-23,398,961, 70 bases deleted. GRCh37 (hg19): chr14:23,868,105-23,868,174.
Other names: c.1654_1723del70, p.Leu553Profs (NM_002471.3); short protein forms L553fs.
Identifiers: ClinVar variation 1708870 (VCV001708870.3), dbSNP rs1566513096, ClinGen allele CA7115723.

ClinVar aggregate classification (germline): Uncertain significance (1 of 4 stars; one submission).

Submission:

GeneDx
Classification: Uncertain significance. Last evaluated: 2023-12-28. Review status: criteria provided, single submitter. Criteria: GeneDx Variant Classification Process June 2021. Collection method: clinical testing. Allele origin: germline. Affected: yes.
Comment: Not observed at significant frequency in large population cohorts (gnomAD); Frameshift variant predicted to result in protein truncation or nonsense mediated decay in a gene or region of a gene for which loss of function is not a well-established mechanism of disease; Has not been previously published as pathogenic or benign to our knowledge